The following is an entry in ClinVar:

ClinVar aggregate classification (germline): Pathogenic (1 of 4 stars; one submission).

Conditions:
Familial cancer of breast. Also called: Hereditary breast cancer; BREAST CANCER, FAMILIAL; hereditary breast carcinoma. Identifiers: Orphanet 227535, MedGen C0346153, MONDO:0016419, OMIM 114480. Disease mechanism: loss of function.

Submission:

Labcorp Genetics (formerly Invitae), Labcorp
Classification: Pathogenic for Familial cancer of breast. Last evaluated: 2022-08-31. Review status: criteria provided, single submitter. Criteria: Invitae Variant Classification Sherloc (09022015). Collection method: clinical testing. Allele origin: germline.
Comment: This variant is a gross deletion of the genomic region encompassing exon(s) 5-7 of the CHEK2 gene. This deletion is out-of-frame, and is expected to create a premature termination codon and result in an absent or disrupted protein product. Loss-of-function variants in CHEK2 are known to be pathogenic (PMID: 21876083, 24713400). This variant has not been reported in the literature in individuals affected with CHEK2-related conditions. For these reasons, this variant has been classified as Pathogenic.

Literature cited by the submitters: PubMed 21876083; PubMed 24713400.

NC_000022.10:g.(?_29105984)_(29115483_?)del

Gene: CHEK2 (checkpoint kinase 2; minus strand). Cytogenetic location: 22q12.1.
Variant type: Deletion.
Identifiers: ClinVar variation 2425698 (VCV002425698.2).